The following is an entry in ClinVar:

ClinVar aggregate classification (germline): Likely benign. Review status: criteria provided, multiple submitters, no conflicts (2 of 4 stars). 2 submissions from 2 submitters: Likely benign (2). Last evaluated 2025-05-27.

Conditions:
BBS1-related disorder. Also called: BBS1-related condition.
Bardet-Biedl syndrome (BBS). Identifiers: Orphanet 110, MedGen C0752166, MONDO:0015229.

Allele frequency attached by ClinVar (database versions not stated): gnomAD 0.00001; gnomAD exomes 0.00001; TOPMed 0.00001.
gnomAD v4.1: 8 of 1,610,142 alleles (0.0005%); highest among the groups gnomAD compares: Admixed American, 0.0017%; no homozygotes.

Submissions (2):

PreventionGenetics, part of Exact Sciences
Classification: Likely benign for BBS1-related condition. Last evaluated: 2025-05-27. Review status: criteria provided, single submitter. Criteria: ACMG Guidelines, 2015. Collection method: clinical testing. Allele origin: germline.
Comment: This variant is classified as likely benign based on ACMG/AMP sequence variant interpretation guidelines (Richards et al. 2015 PMID: 25741868, with internal and published modifications).

Labcorp Genetics (formerly Invitae), Labcorp
Classification: Likely benign for Bardet-Biedl syndrome. Last evaluated: 2023-11-25. Review status: criteria provided, single submitter. Criteria: Invitae Variant Classification Sherloc (09022015). Collection method: clinical testing. Allele origin: germline.

NM_024649.5(BBS1):c.1392C>T (p.Ala464=)

Genes: BBS1 (Bardet-Biedl syndrome 1; plus strand), ZDHHC24 (zDHHC palmitoyltransferase 24; minus strand). Cytogenetic location: 11q13.2.
Variant type: single nucleotide variant.
Coding change: c.1392C>T on transcript NM_024649.5 (MANE Select); coding-DNA position 1392, C replaced by T.
Protein change: p.Ala464=; no amino-acid change (alanine 464 retained).
Molecular consequence: synonymous variant. On other transcripts: intron variant (1).
Genome position (GRCh38, 1-based): chr11:66,529,871, C>T. VCF-style: chr11-66529871-C-T. GRCh37 (hg19) VCF-style: chr11-66297342-C-T.
Other names: c.560-383G>A (NM_001348571.2).
Identifiers: ClinVar variation 1085146 (VCV001085146.10), dbSNP rs1178616571, ClinGen allele CA475340396.